The following is an entry in ClinVar:

NM_021008.4(DEAF1):c.1433A>G (p.Lys478Arg)

Genes: DEAF1 (DEAF1 transcription factor; minus strand), LOC126861109 (BRD4-independent group 4 enhancer GRCh37_chr11:673917-675116; plus strand). Cytogenetic location: 11p15.5.
Variant type: single nucleotide variant.
Coding change: c.1433A>G on transcript NM_021008.4 (MANE Select); coding-DNA position 1433, A replaced by G.
Protein change: p.Lys478Arg; replaces lysine 478 with arginine.
Molecular consequence: missense variant.
Genome position (GRCh38, 1-based): chr11:674,606, T>C on the plus strand (A>G on the coding strand, the complement: DEAF1 is on the minus strand). VCF-style: chr11-674606-T-C. GRCh37 (hg19) VCF-style: chr11-674606-T-C.
Other names: c.1166A>G, p.Lys389Arg (NM_001293634.2); c.707A>G, p.Lys236Arg (NM_001367390.1); short protein forms K389R, K478R, K236R.
Identifiers: ClinVar variation 2105794 (VCV002105794.6), dbSNP rs1441704801, ClinGen allele CA378923550.

ClinVar aggregate classification (germline): Uncertain significance. Review status: criteria provided, multiple submitters, no conflicts (2 of 4 stars). 2 submissions from 2 submitters: Uncertain significance (2). Last evaluated 2025-09-04.

Allele frequency attached by ClinVar (database versions not stated): gnomAD exomes below 0.00001; gnomAD 0.00001.
gnomAD v4.1: 5 of 1,614,080 alleles (0.00031%); highest among the groups gnomAD compares: Admixed American, 0.0033%; no homozygotes.

Submissions (2):

Dasa
Classification: Uncertain significance. Last evaluated: 2025-09-04. Review status: criteria provided, single submitter. Criteria: DASA Assertion Criteria. Collection method: clinical testing. Allele origin: germline.
Comment: NM_021008.4(DEAF1):c.1433A>G (p.Lys478Arg) is a missense variant that results in the substitution of lysine with arginine. This variant is rare in population databases. The currently available literature and clinical evidence are not sufficient to establish a definitive association between this variant and the reported condition. Therefore, this variant is classified as a variant of uncertain significance.

Labcorp Genetics (formerly Invitae), Labcorp
Classification: Uncertain significance. Last evaluated: 2025-05-02. Review status: criteria provided, single submitter. Criteria: Invitae Variant Classification Sherloc (09022015). Collection method: clinical testing. Allele origin: germline.
Comment: This sequence change replaces lysine, which is basic and polar, with arginine, which is basic and polar, at codon 478 of the DEAF1 protein (p.Lys478Arg). This variant is present in population databases (no rsID available, gnomAD 0.004%). This variant has not been reported in the literature in individuals affected with DEAF1-related conditions. ClinVar contains an entry for this variant (Variation ID: 2105794). An algorithm developed to predict the effect of missense changes on protein structure and function outputs the following: PolyPhen-2: "Benign". The arginine amino acid residue is found in multiple mammalian species, which suggests that this missense change does not adversely affect protein function. In summary, the available evidence is currently insufficient to determine the role of this variant in disease. Therefore, it has been classified as a Variant of Uncertain Significance.